The following is an entry in ClinVar:

NM_032271.3(TRAF7):c.1193C>G (p.Pro398Arg)

Gene: TRAF7 (TNF receptor associated factor 7; plus strand). Cytogenetic location: 16p13.3.
Variant type: single nucleotide variant.
Coding change: c.1193C>G on transcript NM_032271.3 (MANE Select); coding-DNA position 1193, C replaced by G.
Protein change: p.Pro398Arg; replaces proline 398 with arginine.
Molecular consequence: missense variant.
Genome position (GRCh38, 1-based): chr16:2,173,978, C>G. VCF-style: chr16-2173978-C-G. GRCh37 (hg19) VCF-style: chr16-2223979-C-G.
Other names: short protein forms P398R.
Identifiers: ClinVar variation 4530247 (VCV004530247.1).

ClinVar aggregate classification (somatic clinical impact): Tier I - Strong (1 of 4 stars; one submission).

Conditions:
Meningioma. Also called: Meningioma, somatic. Identifiers: Orphanet 2495, MedGen C0025286, MONDO:0016642, HP:0002858.

Submission:

Institute for Genomic Medicine (IGM) Clinical Laboratory, Nationwide Children's Hospital
Classification: Tier I - Strong for Meningioma. Assertion type: diagnostic. Clinical significance: supports diagnosis. Last evaluated: 2023-02-23. Review status: criteria provided, single submitter. Criteria: AMP/ASCO/CAP Guidelines, 2017. Collection method: clinical testing. Allele origin: somatic. Affected: yes.
Comment: Variant has Tier I (strong) clinical significance as a diagnostic inclusion criterion in meningioma, based on the following evidence: 1) Documented in one or more cancer databases (e.g., St. Jude Pecan, COSMIC, CIViC, OncoKB). 2) Appears in one or more well-established professional guidelines (e.g., World Health Organization [WHO]; National Comprehensive Cancer Network [NCCN]) as providing diagnostic, prognostic, or therapeutic information. 3) Diagnostic for a specific tumor type/classification according to professional guidelines (Evidence Level A; PMIDs: 23348505, 26826201, 27624470).

Literature cited by the submitters: PubMed 23348505; PubMed 26826201; PubMed 27624470.